The following is an entry in ClinVar:

ClinVar aggregate classification (germline): Uncertain significance (1 of 4 stars; one submission).

Allele frequency attached by ClinVar (database versions not stated): gnomAD 0.00001.
gnomAD v4.1: 22 of 1,612,716 alleles (0.0014%); highest among the groups gnomAD compares: Non-Finnish European, 0.0019%; no homozygotes.

Submission:

Labcorp Genetics (formerly Invitae), Labcorp
Classification: Uncertain significance. Last evaluated: 2024-04-06. Review status: criteria provided, single submitter. Criteria: Invitae Variant Classification Sherloc (09022015). Collection method: clinical testing. Allele origin: germline.
Comment: This sequence change replaces proline, which is neutral and non-polar, with arginine, which is basic and polar, at codon 652 of the COL9A2 protein (p.Pro652Arg). This variant is present in population databases (no rsID available, gnomAD 0.002%). This variant has not been reported in the literature in individuals affected with COL9A2-related conditions. ClinVar contains an entry for this variant (Variation ID: 1478623). Advanced modeling of protein sequence and biophysical properties (such as structural, functional, and spatial information, amino acid conservation, physicochemical variation, residue mobility, and thermodynamic stability) performed at Invitae indicates that this missense variant is not expected to disrupt COL9A2 protein function with a negative predictive value of 95%. In summary, the available evidence is currently insufficient to determine the role of this variant in disease. Therefore, it has been classified as a Variant of Uncertain Significance.

NM_001852.4(COL9A2):c.1955C>G (p.Pro652Arg)

Gene: COL9A2 (collagen type IX alpha 2 chain; minus strand). Cytogenetic location: 1p34.2.
Variant type: single nucleotide variant.
Coding change: c.1955C>G on transcript NM_001852.4 (MANE Select); coding-DNA position 1955, C replaced by G.
Protein change: p.Pro652Arg; replaces proline 652 with arginine.
Molecular consequence: missense variant.
Genome position (GRCh38, 1-based): chr1:40,301,297, G>C on the plus strand (C>G on the coding strand, the complement: COL9A2 is on the minus strand). VCF-style: chr1-40301297-G-C. GRCh37 (hg19) VCF-style: chr1-40766969-G-C.
Other names: short protein forms P652R.
Identifiers: ClinVar variation 1478623 (VCV001478623.8), dbSNP rs919105938, ClinGen allele CA21041055.